The following is an entry in ClinVar:

NM_000492.4(CFTR):c.2678G>T (p.Gly893Val)

Gene: CFTR (CF transmembrane conductance regulator; plus strand). Cytogenetic location: 7q31.2.
Variant type: single nucleotide variant.
Coding change: c.2678G>T on transcript NM_000492.4 (MANE Select); coding-DNA position 2678, G replaced by T.
Protein change: p.Gly893Val; replaces glycine 893 with valine.
Molecular consequence: missense variant.
Genome position (GRCh38, 1-based): chr7:117,603,552, G>T. VCF-style: chr7-117603552-G-T. GRCh37 (hg19) VCF-style: chr7-117243606-G-T.
Other names: short protein forms G893V.
Identifiers: ClinVar variation 4001879 (VCV004001879.1).

ClinVar aggregate classification (germline): Uncertain significance (1 of 4 stars; one submission).

Conditions:
Cystic fibrosis (CF). Also called: MUCOVISCIDOSIS. Identifiers: Orphanet 586, MedGen C0010674, MONDO:0009061, OMIM 219700. Disease mechanism: loss of function.

Submission:

Ambry Genetics
Classification: Uncertain significance for Cystic fibrosis. Last evaluated: 2025-05-26. Review status: criteria provided, single submitter. Criteria: Ambry Variant Classification Scheme 2023. Collection method: clinical testing. Allele origin: germline.
Comment: The p.G893V variant (also known as c.2678G>T), located in coding exon 17 of the CFTR gene, results from a G to T substitution at nucleotide position 2678. The glycine at codon 893 is replaced by valine, an amino acid with dissimilar properties. This amino acid position is conserved. In addition, the in silico prediction for this alteration is inconclusive. Based on the available evidence, the clinical significance of this variant remains unclear.